The following is an entry in ClinVar:

ClinVar aggregate classification (germline): Benign/Likely benign. Review status: criteria provided, multiple submitters, no conflicts (2 of 4 stars). 3 submissions from 3 submitters: Benign (1); Likely benign (2). Last evaluated 2025-10-03.

Conditions:
Renal cell carcinoma. Identifiers: Orphanet 217071, MedGen C0007134, MeSH D002292, MONDO:0005086, HP:0005584.
Hereditary cancer-predisposing syndrome. Also called: Tumor predisposition; Neoplastic Syndromes, Hereditary; Hereditary neoplastic syndrome; Hereditary Cancer Syndrome. Identifiers: Orphanet 140162, MedGen C0027672, MeSH D009386, MONDO:0015356.
Papillary renal cell carcinoma type 1 (RCCP1). Also called: RENAL CELL CARCINOMA, PAPILLARY, 1, SOMATIC; Renal adenocarcinoma; Renal cell carcinoma 1; Renal cell carcinoma, somatic. Identifiers: Orphanet 47044, MedGen C1336839, OMIM 605074, HP:0011797.

Allele frequency attached by ClinVar (database versions not stated): gnomAD exomes 0.00001 and 0.00002; ExAC 0.00002; ESP Exome Variant Server 0.00008.
gnomAD v4.1: 30 of 1,613,612 alleles (0.0019%); highest among the groups gnomAD compares: Non-Finnish European, 0.002%; no homozygotes.

Submissions (3):

Labcorp Genetics (formerly Invitae), Labcorp
Classification: Likely benign for Renal cell carcinoma. Last evaluated: 2025-10-03. Review status: criteria provided, single submitter. Criteria: Invitae Variant Classification Sherloc (09022015). Collection method: clinical testing. Allele origin: germline.

Myriad Genetics, Inc.
Classification: Benign for Papillary renal cell carcinoma type 1. Last evaluated: 2024-11-08. Review status: criteria provided, single submitter. Criteria: Myriad Autosomal Dominant, Autosomal Recessive and X-Linked Classification Criteria (2023). Collection method: clinical testing. Allele origin: unknown.
Comment: This variant is considered benign. This variant is a silent/synonymous amino acid change and it is not expected to impact splicing.

Ambry Genetics
Classification: Likely benign for Hereditary cancer-predisposing syndrome. Last evaluated: 2022-03-02. Review status: criteria provided, single submitter. Criteria: Ambry Variant Classification Scheme 2023. Collection method: clinical testing. Allele origin: germline.

NM_000245.4(MET):c.2097A>G (p.Leu699=)

Gene: MET (MET proto-oncogene, receptor tyrosine kinase; plus strand). Cytogenetic location: 7q31.2.
Variant type: single nucleotide variant.
Coding change: c.2097A>G on transcript NM_000245.4 (MANE Select); coding-DNA position 2097, A replaced by G.
Protein change: p.Leu699=; no amino-acid change (leucine 699 retained).
Molecular consequence: synonymous variant.
Genome position (GRCh38, 1-based): chr7:116,757,769, A>G. VCF-style: chr7-116757769-A-G. GRCh37 (hg19) VCF-style: chr7-116397823-A-G.
Other names: c.2097A>G, p.Leu699= (NM_001127500.3, NM_001324401.3); c.807A>G, p.Leu269= (NM_001324402.2).
Identifiers: ClinVar variation 416927 (VCV000416927.16), dbSNP rs199585804, ClinGen allele CA4448372.